The following is an entry in ClinVar:

ClinVar aggregate classification (germline): Uncertain significance. Review status: criteria provided, multiple submitters, no conflicts (2 of 4 stars). 2 submissions from 2 submitters: Uncertain significance (2). Last evaluated 2025-12-29.

Conditions:
Hereditary cancer-predisposing syndrome. Also called: Tumor predisposition; Hereditary neoplastic syndrome; Hereditary Cancer Syndrome; Neoplastic Syndromes, Hereditary. Identifiers: Orphanet 140162, MedGen C0027672, MeSH D009386, MONDO:0015356.
Tuberous sclerosis 2 (TSC2). Identifiers: Orphanet 805, MedGen C1860707, MONDO:0013199, OMIM 613254.

Submissions (2):

Ambry Genetics
Classification: Uncertain significance for Hereditary cancer-predisposing syndrome. Last evaluated: 2025-12-29. Review status: criteria provided, single submitter. Criteria: Ambry Variant Classification Scheme 2023. Collection method: clinical testing. Allele origin: germline.
Comment: The p.L1324P variant (also known as c.3971T>C), located in coding exon 32 of the TSC2 gene, results from a T to C substitution at nucleotide position 3971. The leucine at codon 1324 is replaced by proline, an amino acid with similar properties. This amino acid position is not well conserved in available vertebrate species. In addition, the in silico prediction for this alteration is inconclusive. Based on the available evidence, the clinical significance of this variant remains unclear.

Labcorp Genetics (formerly Invitae), Labcorp
Classification: Uncertain significance for Tuberous sclerosis 2. Last evaluated: 2022-08-10. Review status: criteria provided, single submitter. Criteria: Invitae Variant Classification Sherloc (09022015). Collection method: clinical testing. Allele origin: germline.
Comment: This variant is not present in population databases (gnomAD no frequency). This sequence change replaces leucine, which is neutral and non-polar, with proline, which is neutral and non-polar, at codon 1324 of the TSC2 protein (p.Leu1324Pro). This variant has not been reported in the literature in individuals affected with TSC2-related conditions. ClinVar contains an entry for this variant (Variation ID: 238035). Advanced modeling of protein sequence and biophysical properties (such as structural, functional, and spatial information, amino acid conservation, physicochemical variation, residue mobility, and thermodynamic stability) performed at Invitae indicates that this missense variant is not expected to disrupt TSC2 protein function. In summary, the available evidence is currently insufficient to determine the role of this variant in disease. Therefore, it has been classified as a Variant of Uncertain Significance.

NM_000548.5(TSC2):c.3971T>C (p.Leu1324Pro)

Gene: TSC2 (TSC complex subunit 2; plus strand). Cytogenetic location: 16p13.3.
Variant type: single nucleotide variant.
Coding change: c.3971T>C on transcript NM_000548.5 (MANE Select); coding-DNA position 3971, T replaced by C.
Protein change: p.Leu1324Pro; replaces leucine 1324 with proline.
Molecular consequence: missense variant.
Genome position (GRCh38, 1-based): chr16:2,083,782, T>C. VCF-style: chr16-2083782-T-C. GRCh37 (hg19) VCF-style: chr16-2133783-T-C.
Other names: c.3770T>C, p.Leu1257Pro (NM_001077183.3); c.3902T>C, p.Leu1301Pro (NM_001114382.3); c.3662T>C, p.Leu1221Pro (NM_001318827.2); c.3626T>C, p.Leu1209Pro (NM_001318829.2); c.3239T>C, p.Leu1080Pro (NM_001318831.2); c.3803T>C, p.Leu1268Pro (NM_001318832.2); c.3773T>C, p.Leu1258Pro (NM_001363528.2); c.3839T>C, p.Leu1280Pro (NM_001370404.1); and 1 more; short protein forms L1324P, L1209P, L1221P, L1268P, L1280P, L1281P, L1258P, L1301P.
Identifiers: ClinVar variation 238035 (VCV000238035.9), dbSNP rs878854098, ClinGen allele CA10583326.